The following is an entry in ClinVar:

ClinVar aggregate classification (germline): Likely pathogenic (1 of 4 stars; one submission).

Conditions:
Schaaf-Yang syndrome (SHFYNG). Also called: Arthrogryposis, distal, with hypopituitarism, intellectual disability, and facial anomalies; MAGEL2-related Prader-Willi-like syndrome. Identifiers: Orphanet 398069, MedGen C5575066, MONDO:0014243, OMIM 615547.

Submission:

Foundation for Research in Genetics and Endocrinology, FRIGE's Institute of Human Genetics
Classification: Likely pathogenic for Schaaf-Yang syndrome. Last evaluated: 2026-01-29. Review status: criteria provided, single submitter. Criteria: ACMG Guidelines, 2015. Collection method: clinical testing. Allele origin: germline. Inheritance: Autosomal dominant inheritance. Affected: yes.
Comment: A heterozygous nonsense variant in exon 1 of the MAGEL2 gene (chr15:g.23644637G>A; Depth: 151x) that results in a stop codon and premature truncation of the protein at codon 1036 (p.Gln1036Ter;ENST00000650528.1) was detected. This variant has not been reported in the 1000 genomes, gnomAD (v3.1), gnomAD (v2.1) and topmed databases. The reference codon is conserved across mammals.

NM_019066.5(MAGEL2):c.3106C>T (p.Gln1036Ter)

Gene: MAGEL2 (MAGE family member L2; minus strand). Cytogenetic location: 15q11.2.
Variant type: single nucleotide variant.
Coding change: c.3106C>T on transcript NM_019066.5 (MANE Select); coding-DNA position 3106, C replaced by T.
Protein change: p.Gln1036Ter; replaces glutamine 1036 with a stop codon.
Molecular consequence: nonsense.
Genome position (GRCh38, 1-based): chr15:23,644,637, G>A on the plus strand (C>T on the coding strand, the complement: MAGEL2 is on the minus strand). VCF-style: chr15-23644637-G-A. GRCh37 (hg19) VCF-style: chr15-23889784-G-A.
Other names: p.Gln1036Ter; short protein forms Q1036*.
Identifiers: ClinVar variation 4756104 (VCV004756104.1).